The following is an entry in ClinVar:

ClinVar aggregate classification (germline): Conflicting classifications of pathogenicity. Review status: criteria provided, conflicting classifications (1 of 4 stars). 2 submissions from 2 submitters: Uncertain significance (1); Likely benign (1). Last evaluated 2025-10-09.

Conditions:
Hereditary cancer-predisposing syndrome. Also called: Neoplastic Syndromes, Hereditary; Tumor predisposition; Hereditary neoplastic syndrome; Hereditary Cancer Syndrome. Identifiers: Orphanet 140162, MedGen C0027672, MeSH D009386, MONDO:0015356.

Allele frequency attached by ClinVar (database versions not stated): gnomAD exomes below 0.00001.
gnomAD v4.1: 6 of 1,613,470 alleles (0.00037%); highest among the groups gnomAD compares: South Asian, 0.0033%; no homozygotes.

Submissions (2):

Ambry Genetics
Classification: Likely benign for Hereditary cancer-predisposing syndrome. Last evaluated: 2025-10-09. Review status: criteria provided, single submitter. Criteria: Ambry Variant Classification Scheme 2023. Collection method: clinical testing. Allele origin: germline.

Color Diagnostics, LLC DBA Color Health
Classification: Uncertain significance for Hereditary cancer-predisposing syndrome. Last evaluated: 2023-12-05. Review status: criteria provided, single submitter. Criteria: ACMG Guidelines, 2015. Collection method: clinical testing. Allele origin: germline.
Comment: This missense variant replaces glutamine with histidine at codon 268 of the RAD51C protein. Computational prediction suggests that this variant may not impact protein structure and function (internally defined REVEL score threshold <= 0.5, PMID: 27666373). To our knowledge, functional studies have not been reported for this variant. This variant has not been reported in individuals affected with RAD51C-related disorders in the literature. This variant has been identified in 1/251432 chromosomes in the general population by the Genome Aggregation Database (gnomAD). The available evidence is insufficient to determine the role of this variant in disease conclusively. Therefore, this variant is classified as a Variant of Uncertain Significance.

NM_058216.3(RAD51C):c.804A>T (p.Gln268His)

Gene: RAD51C (RAD51 paralog C; plus strand). Cytogenetic location: 17q22.
Variant type: single nucleotide variant.
Coding change: c.804A>T on transcript NM_058216.3 (MANE Select); coding-DNA position 804, A replaced by T.
Protein change: p.Gln268His; replaces glutamine 268 with histidine.
Molecular consequence: missense variant. On other transcripts: non-coding transcript variant (1).
Genome position (GRCh38, 1-based): chr17:58,709,957, A>T. VCF-style: chr17-58709957-A-T. GRCh37 (hg19) VCF-style: chr17-56787318-A-T.
Other names: short protein forms Q268H.
Identifiers: ClinVar variation 629945 (VCV000629945.9), dbSNP rs1186483962, ClinGen allele CA400354159.
Genomic context (GRCh38, chr17:58,709,957, plus strand): 5'-TCGTCATGACCTAGATGACCTGTCTCTTCGTACTCGGTTATTAAATGGCCTAGCCCAGCA[A>T]ATGATCAGCCTTGCAAATAATCACAGATTAGCTGTAAGTATTAACTAGTGAAGAGAGTTT-3'
Protein context (NP_478123.1, residues 258-278): RTRLLNGLAQ[Gln268His]MISLANNHRL